The following is an entry in ClinVar:

ClinVar aggregate classification (germline): Conflicting classifications of pathogenicity. Review status: criteria provided, conflicting classifications (1 of 4 stars). 3 submissions from 3 submitters: Uncertain significance (1); Likely benign (2). Last evaluated 2025-11-01.

Conditions:
Inborn genetic diseases. Identifiers: MedGen C0950123, MeSH D030342.
Polycystic kidney disease, adult type (PKD1). Also called: Polycystic Kidney Disease 1, Autosomal Dominant; Polycystic kidney disease 1; Polycystic kidney disease 1, severe; POLYCYSTIC KIDNEY DISEASE, ADULT, TYPE I; Polycystic Kidney, Autosomal Dominant; POLYCYSTIC KIDNEY DISEASE 1 WITH OR WITHOUT POLYCYSTIC LIVER DISEASE. Identifiers: MedGen C3149841, MONDO:0008263, OMIM 173900.

Allele frequency attached by ClinVar (database versions not stated): gnomAD 0.00007; TOPMed 0.00007; ExAC 0.00018.
gnomAD v4.1: 174 of 1,608,260 alleles (0.011%); highest among the groups gnomAD compares: Middle Eastern, 0.021%; no homozygotes.

Submissions (3):

CeGaT Center for Human Genetics Tuebingen
Classification: Likely benign. Last evaluated: 2025-11-01. Review status: criteria provided, single submitter. Criteria: CeGaT Center For Human Genetics Tuebingen Variant Classification Criteria Version 2. Collection method: clinical testing. Allele origin: germline. Affected: yes. Observed: 2 variant alleles.
Comment: PKD1: BP4

Department of Pathology and Laboratory Medicine, Sinai Health System
Classification: Uncertain significance for Polycystic kidney disease, adult type. Last evaluated: 2022-12-07. Review status: criteria provided, single submitter. Criteria: ACMG Guidelines, 2015. Collection method: clinical testing. Allele origin: germline. Affected: yes.

Ambry Genetics
Classification: Likely benign for Inborn genetic diseases. Last evaluated: 2022-06-03. Review status: criteria provided, single submitter. Criteria: Ambry Variant Classification Scheme 2023. Collection method: clinical testing. Allele origin: germline.

Literature cited by the submitters: PubMed 27499327 (cited by Ambry Genetics).

NM_001009944.3(PKD1):c.6209C>G (p.Pro2070Arg)

Gene: PKD1 (polycystin 1, transient receptor potential channel interacting; minus strand). Cytogenetic location: 16p13.3.
Variant type: single nucleotide variant.
Coding change: c.6209C>G on transcript NM_001009944.3 (MANE Select); coding-DNA position 6209, C replaced by G.
Protein change: p.Pro2070Arg; replaces proline 2070 with arginine.
Molecular consequence: missense variant.
Genome position (GRCh38, 1-based): chr16:2,108,958, G>C on the plus strand (C>G on the coding strand, the complement: PKD1 is on the minus strand). VCF-style: chr16-2108958-G-C. GRCh37 (hg19) VCF-style: chr16-2158959-G-C.
Other names: c.6209C>G, p.Pro2070Arg (NM_000296.4); short protein forms P2070R.
Identifiers: ClinVar variation 2411759 (VCV002411759.11), dbSNP rs754944119, ClinGen allele CA7831675.
Genomic context (GRCh38, chr16:2,108,958, plus strand): 5'-ACACGCCGGGGGCTGGGGCTGGTGGCGGCCTCAAACTGCGCCGAGCGGTTGGTGAAGCAG[G>C]GGCCGCTCTGCAGGGCCACATACTGGACGGCGTCCTGAACCTCCAGCACCAGCGTGCGGT-3'
Protein context (NP_001009944.3, residues 2060-2080): AVQYVALQSG[Pro2070Arg]CFTNRSAQFE